The following is an entry in ClinVar:

ClinVar aggregate classification (germline): Uncertain significance. Review status: criteria provided, multiple submitters, no conflicts (2 of 4 stars). 3 submissions from 3 submitters: Uncertain significance (3). Last evaluated 2025-10-27.

Conditions:
Familial adenomatous polyposis 3. Also called: NTHL1-Related Adenomatous Polyposis and Colorectal Cancer; NTHL1-associated polyposis; NTHL1-related attenuated familial adenomatous polyposis; NTHL1 Tumor Syndrome. Identifiers: Orphanet 220460, Orphanet 454840, MedGen C4225157, MONDO:0014630, OMIM 616415.
Hereditary cancer-predisposing syndrome. Also called: Tumor predisposition; Neoplastic Syndromes, Hereditary; Hereditary Cancer Syndrome; Hereditary neoplastic syndrome. Identifiers: Orphanet 140162, MedGen C0027672, MeSH D009386, MONDO:0015356.

Allele frequency attached by ClinVar (database versions not stated): TOPMed 0.00002.
gnomAD v4.1: 8 of 1,612,408 alleles (0.0005%); highest among the groups gnomAD compares: Admixed American, 0.0033%; no homozygotes.

Submissions (3):

Labcorp Genetics (formerly Invitae), Labcorp
Classification: Uncertain significance. Last evaluated: 2025-10-27. Review status: criteria provided, single submitter. Criteria: Invitae Variant Classification Sherloc (09022015). Collection method: clinical testing. Allele origin: germline.
Comment: This sequence change replaces alanine, which is neutral and non-polar, with aspartic acid, which is acidic and polar, at codon 123 of the NTHL1 protein (p.Ala123Asp). This variant is not present in population databases (gnomAD no frequency). This variant has not been reported in the literature in individuals affected with NTHL1-related conditions. ClinVar contains an entry for this variant (Variation ID: 651534). An algorithm developed to predict the effect of missense changes on protein structure and function (PolyPhen-2) suggests that this variant is likely to be tolerated. In summary, the available evidence is currently insufficient to determine the role of this variant in disease. Therefore, it has been classified as a Variant of Uncertain Significance.

Ambry Genetics
Classification: Uncertain significance for Hereditary cancer-predisposing syndrome. Last evaluated: 2024-09-04. Review status: criteria provided, single submitter. Criteria: Ambry Variant Classification Scheme 2023. Collection method: clinical testing. Allele origin: germline.
Comment: The p.A123D variant (also known as c.368C>A), located in coding exon 2 of the NTHL1 gene, results from a C to A substitution at nucleotide position 368. The alanine at codon 123 is replaced by aspartic acid, an amino acid with dissimilar properties. This amino acid position is well conserved in available vertebrate species. In addition, this alteration is predicted to be tolerated by in silico analysis. Since supporting evidence is limited at this time, the clinical significance of this alteration remains unclear.

Baylor Genetics
Classification: Uncertain significance for Familial adenomatous polyposis 3. Last evaluated: 2024-01-24. Review status: criteria provided, single submitter. Criteria: ACMG Guidelines, 2015. Collection method: clinical testing. Allele origin: unknown.

NM_002528.7(NTHL1):c.344C>A (p.Ala115Asp)

Gene: NTHL1 (nth like DNA glycosylase 1; minus strand). Cytogenetic location: 16p13.3.
Variant type: single nucleotide variant.
Coding change: c.344C>A on transcript NM_002528.7 (MANE Select); coding-DNA position 344, C replaced by A.
Protein change: p.Ala115Asp; replaces alanine 115 with aspartic acid.
Molecular consequence: missense variant. On other transcripts: intron variant (1).
Genome position (GRCh38, 1-based): chr16:2,046,138, G>T on the plus strand (C>A on the coding strand, the complement: NTHL1 is on the minus strand). VCF-style: chr16-2046138-G-T. GRCh37 (hg19) VCF-style: chr16-2096139-G-T.
Other names: c.344C>A, p.Ala115Asp (LRG_1366t1, NM_001318193.2); c.24+142C>A (NM_001318194.2); short protein forms A115D.
Identifiers: ClinVar variation 651534 (VCV000651534.15), dbSNP rs745986873, ClinGen allele CA394295076.